The following is an entry in ClinVar:

NM_007194.4(CHEK2):c.820dup (p.Ile274fs)

Gene: CHEK2 (checkpoint kinase 2; minus strand). Cytogenetic location: 22q12.1.
Variant type: Duplication.
Coding change: c.820dup on transcript NM_007194.4 (MANE Select); coding-DNA position 820, one base duplicated (A; older notation c.820dupA).
Protein change: p.Ile274fs; shifts the reading frame from isoleucine 274.
Molecular consequence: frameshift variant.
Genome position (GRCh38, 1-based): chr22:28,710,032, T duplicated on the plus strand (A on the coding strand, the reverse complement: CHEK2 is on the minus strand); the first of 3 consecutive T bases (chr22:28,710,032-28,710,034); duplicating any one gives the same sequence. VCF-style (leftmost placement, unchanged base first): chr22-28710031-A-AT. GRCh37 (hg19) VCF-style: chr22-29106019-A-AT.
Other names: c.947dup, p.Ile317Asnfs (NM_001005735.3); c.155dup, p.Ile53Asnfs (NM_001257387.3); c.617dup, p.Ile207Asnfs (NM_001349956.3); c.818dup, p.Ile274Asnfs (NM_145862.3); short protein forms I207fs, I317fs, I53fs, I274fs.
Identifiers: ClinVar variation 2840189 (VCV002840189.3), dbSNP rs2517943306, ClinGen allele CA2739265650.

ClinVar aggregate classification (germline): Pathogenic (1 of 4 stars; one submission).

Conditions:
Familial cancer of breast. Also called: hereditary breast carcinoma; BREAST CANCER, FAMILIAL; Hereditary breast cancer. Identifiers: Orphanet 227535, MedGen C0346153, MONDO:0016419, OMIM 114480. Disease mechanism: loss of function.

Submission:

Labcorp Genetics (formerly Invitae), Labcorp
Classification: Pathogenic for Familial cancer of breast. Last evaluated: 2023-02-23. Review status: criteria provided, single submitter. Criteria: Invitae Variant Classification Sherloc (09022015). Collection method: clinical testing. Allele origin: germline.
Comment: For these reasons, this variant has been classified as Pathogenic. This variant has not been reported in the literature in individuals affected with CHEK2-related conditions. This variant is not present in population databases (gnomAD no frequency). This sequence change creates a premature translational stop signal (p.Ile274Asnfs*16) in the CHEK2 gene. It is expected to result in an absent or disrupted protein product. Loss-of-function variants in CHEK2 are known to be pathogenic (PMID: 21876083, 24713400).

Literature cited by the submitters: PubMed 21876083; PubMed 24713400.